The following is an entry in ClinVar:

ClinVar aggregate classification (germline): Uncertain significance (1 of 4 stars; one submission).

Conditions:
Inborn genetic diseases. Identifiers: MedGen C0950123, MeSH D030342.

Submission:

Ambry Genetics
Classification: Uncertain significance for Inborn genetic diseases. Last evaluated: 2026-03-11. Review status: criteria provided, single submitter. Criteria: Ambry Variant Classification Scheme 2023. Collection method: clinical testing. Allele origin: germline.
Comment: The p.E1646D variant (also known as c.4938G>C), located in coding exon 32 of the ANKRD26 gene, results from a G to C substitution at nucleotide position 4938. The glutamic acid at codon 1646 is replaced by aspartic acid, an amino acid with highly similar properties. This amino acid position is conserved. In addition, this alteration is predicted to be tolerated by in silico analysis. Based on the available evidence, the clinical significance of this variant remains unclear.

NM_014915.3(ANKRD26):c.4938G>C (p.Glu1646Asp)

Gene: ANKRD26 (ankyrin repeat domain 26; minus strand). Cytogenetic location: 10p12.1.
Variant type: single nucleotide variant.
Coding change: c.4938G>C on transcript NM_014915.3 (MANE Select); coding-DNA position 4938, G replaced by C.
Protein change: p.Glu1646Asp; replaces glutamic acid 1646 with aspartic acid.
Molecular consequence: missense variant.
Genome position (GRCh38, 1-based): chr10:27,012,897, C>G on the plus strand (G>C on the coding strand, the complement: ANKRD26 is on the minus strand). VCF-style: chr10-27012897-C-G. GRCh37 (hg19) VCF-style: chr10-27301826-C-G.
Other names: c.4935G>C, p.Glu1645Asp (NM_001256053.2); short protein forms E1645D, E1646D.
Identifiers: ClinVar variation 4826424 (VCV004826424.1).